The following is an entry in ClinVar:

ClinVar aggregate classification (germline): Uncertain significance (1 of 4 stars; one submission).

Submission:

Labcorp Genetics (formerly Invitae), Labcorp
Classification: Uncertain significance. Last evaluated: 2023-08-24. Review status: criteria provided, single submitter. Criteria: Invitae Variant Classification Sherloc (09022015). Collection method: clinical testing. Allele origin: germline.
Comment: This variant is not present in population databases (gnomAD no frequency). This sequence change replaces leucine, which is neutral and non-polar, with histidine, which is basic and polar, at codon 1020 of the SEC24D protein (p.Leu1020His). This variant has not been reported in the literature in individuals affected with SEC24D-related conditions. ClinVar contains an entry for this variant (Variation ID: 1396537). An algorithm developed to predict the effect of missense changes on protein structure and function (PolyPhen-2) suggests that this variant is likely to be disruptive. In summary, the available evidence is currently insufficient to determine the role of this variant in disease. Therefore, it has been classified as a Variant of Uncertain Significance.

NM_014822.4(SEC24D):c.3059T>A (p.Leu1020His)

Gene: SEC24D (SEC24 homolog D, COPII component; minus strand). Cytogenetic location: 4q26.
Variant type: single nucleotide variant.
Coding change: c.3059T>A on transcript NM_014822.4 (MANE Select); coding-DNA position 3059, T replaced by A.
Protein change: p.Leu1020His; replaces leucine 1020 with histidine.
Molecular consequence: missense variant.
Genome position (GRCh38, 1-based): chr4:118,723,555, A>T on the plus strand (T>A on the coding strand, the complement: SEC24D is on the minus strand). VCF-style: chr4-118723555-A-T. GRCh37 (hg19) VCF-style: chr4-119644710-A-T.
Other names: c.3062T>A, p.Leu1021His (NM_001318066.2); short protein forms L1021H, L1020H.
Identifiers: ClinVar variation 1396537 (VCV001396537.6), dbSNP rs2110420681, ClinGen allele CA358003306.
Genomic context (GRCh38, chr4:118,723,555, plus strand): 5'-CAATGACAGAGAAGTTTCAATTAATTAAGCAGCTGACAGATCTCCTTGTGAACACAACAA[A>T]GGAAATCCACATAAGAAGAGCCTCCGTAAAGTCCTTTGTCTTCTACCAGGAACTGTCGGA-3'
Protein context (NP_055637.2, residues 1010-1030): LYGGSSYVDF[Leu1020His]CCVHKEICQL